The following is an entry in ClinVar:

NM_001039591.3(USP9X):c.6389A>T (p.Asp2130Val)

Gene: USP9X (ubiquitin specific peptidase 9 X-linked; plus strand). Cytogenetic location: Xp11.4.
Variant type: single nucleotide variant.
Coding change: c.6389A>T on transcript NM_001039591.3 (MANE Select); coding-DNA position 6389, A replaced by T.
Protein change: p.Asp2130Val; replaces aspartic acid 2130 with valine.
Molecular consequence: missense variant.
Genome position (GRCh38, 1-based): chrX:41,218,551, A>T. VCF-style: chrX-41218551-A-T. GRCh37 (hg19) VCF-style: chrX-41077804-A-T.
Other names: c.6389A>T, p.Asp2130Val (NM_001039590.3); c.6404A>T, p.Asp2135Val (NM_001410748.1, NM_001410749.1, NM_001437534.1); short protein forms D2130V, D2135V.
Identifiers: ClinVar variation 4531315 (VCV004531315.1).

ClinVar aggregate classification (germline): Uncertain significance (1 of 4 stars; one submission).

Conditions:
Intellectual developmental disorder, X-linked 99. Also called: Intellectual disability, X-linked 99. Identifiers: Orphanet 777, MedGen C3806746, MONDO:0010487, OMIM 300919.

gnomAD v4.1: 1 of 1,211,650 alleles (0.000083%); highest among the groups gnomAD compares: Non-Finnish European, 0.00011%; no homozygotes.

Submission:

Victorian Clinical Genetics Services, Murdoch Childrens Research Institute
Classification: Uncertain significance for Intellectual developmental disorder, X-linked 99. Last evaluated: 2025-07-07. Review status: criteria provided, single submitter. Criteria: ACMG Guidelines, 2015. Collection method: clinical testing. Allele origin: germline. Affected: yes.
Comment: This variant is classified as VUS-3A. Evidence in support of pathogenic classification: Variant is present in gnomAD <0.01 (v4: 1 heterozygote(s), 0 homozygote(s), 0 hemizygote(s)); Missense variant predicted to be damaging by in silico tool(s) or highly conserved with a major amino acid change. Additional information: Variant is predicted to result in a missense amino acid change from Asp to Val; This variant is hemizygous; This gene is associated with both X-linked recessive and X-linked dominant disease. Partial loss of function variants are inherited in a X-linked recessive pattern, affecting predominantly males. Complete loss of function variants are inherited in a X-linked dominant pattern and are more severe, affecting only females (PMID: 31443933, 26833328); This variant has no previous evidence of pathogenicity; No published evidence of segregation with disease has been identified for this variant; No published functional evidence has been identified for this variant; No comparable missense variants have previous evidence for pathogenicity; Variant is located in the annotated domain of unknown function (DUF3517) (DECIPHER); Loss of function is a known mechanism of disease in this gene and is associated with X-linked intellectual developmental disorder 99 (MIM#300919) and X-linked syndromic female-restricted intellectual developmental disorder 99 (MIM#300968).

Literature cited by the submitters: PubMed 26833328; PubMed 31443933.